The following is an entry in ClinVar:

ClinVar aggregate classification (germline): Conflicting classifications of pathogenicity. Review status: criteria provided, conflicting classifications (1 of 4 stars). 2 submissions from 2 submitters: Uncertain significance (1); Likely benign (1). Last evaluated 2024-11-11.

Conditions:
Inborn genetic diseases. Identifiers: MedGen C0950123, MeSH D030342.

Allele frequency attached by ClinVar (database versions not stated): 1000 Genomes Project 30x 0.00016; gnomAD 0.00026; ExAC 0.00175.

Submissions (2):

Ambry Genetics
Classification: Uncertain significance for Inborn genetic diseases. Last evaluated: 2024-11-11. Review status: criteria provided, single submitter. Criteria: Ambry Variant Classification Scheme 2023. Collection method: clinical testing. Allele origin: germline.

CeGaT Center for Human Genetics Tuebingen
Classification: Likely benign. Last evaluated: 2024-03-01. Review status: criteria provided, single submitter. Criteria: CeGaT Center For Human Genetics Tuebingen Variant Classification Criteria Version 2. Collection method: clinical testing. Allele origin: germline. Affected: yes. Observed: 1 variant allele.
Comment: KRT6C: PP2, BS2

NM_173086.5(KRT6C):c.307G>A (p.Gly103Ser)

Gene: KRT6C (keratin 6C; minus strand). Cytogenetic location: 12q13.13.
Variant type: single nucleotide variant.
Coding change: c.307G>A on transcript NM_173086.5 (MANE Select); coding-DNA position 307, G replaced by A.
Protein change: p.Gly103Ser; replaces glycine 103 with serine.
Molecular consequence: missense variant.
Genome position (GRCh38, 1-based): chr12:52,473,431, C>T on the plus strand (G>A on the coding strand, the complement: KRT6C is on the minus strand). VCF-style: chr12-52473431-C-T. GRCh37 (hg19) VCF-style: chr12-52867215-C-T.
Other names: c.307G>A (NM_173086.4); short protein forms G103S.
Identifiers: ClinVar variation 3067280 (VCV003067280.22), dbSNP rs771924434, ClinGen allele CA6581606.
Genomic context (GRCh38, chr12:52,473,431, plus strand): 5'-CAAAGCCACCAGCAAGGCCGGCTCCACCACCCAGACCAAAGCCAATGCCGGCTCCACCAC[C>T]GAAACCAAATCCACTCCCGGCGCCACCAAAGCCATAGCTGCCTCCGGCTCTGCTGCCATA-3'
Protein context (NP_775109.2, residues 93-113): FGGAGSGFGF[Gly103Ser]GGAGIGFGLG